The following is an entry in ClinVar:

NM_000059.4(BRCA2):c.3926_3927del (p.Ile1309fs)

Gene: BRCA2 (BRCA2 DNA repair associated; plus strand). Cytogenetic location: 13q13.1.
Variant type: Deletion.
Coding change: c.3926_3927del on transcript NM_000059.4 (MANE Select); coding-DNA positions 3926 to 3927, 2 bases deleted (TT; older notation c.3926_3927delTT).
Protein change: p.Ile1309fs; shifts the reading frame from isoleucine 1309.
Molecular consequence: frameshift variant. On other transcripts: non-coding transcript variant (1), intron variant (2).
Genome position (GRCh38, 1-based): chr13:32,338,281-32,338,282, TT deleted. VCF-style (leftmost placement, unchanged base first): chr13-32338280-ATT-A. GRCh37 (hg19) VCF-style: chr13-32912417-ATT-A.
Other names: c.3926_3927del, p.Ile1309fs (NM_001406719.1, NM_001406720.1); c.1909+4894_1909+4895del (NM_001406721.1); c.425-6277_425-6276del (NM_001406722.1); short protein forms I1309fs.
Identifiers: ClinVar variation 3226554 (VCV003226554.2), dbSNP rs2548527213, ClinGen allele CA2825002133.

ClinVar aggregate classification (germline): Pathogenic. Review status: criteria provided, multiple submitters, no conflicts (2 of 4 stars). 2 submissions from 2 submitters: Pathogenic (2). Last evaluated 2025-06-26.

Conditions:
Hereditary cancer-predisposing syndrome. Also called: Neoplastic Syndromes, Hereditary; Tumor predisposition; Hereditary neoplastic syndrome; Hereditary Cancer Syndrome. Identifiers: Orphanet 140162, MedGen C0027672, MeSH D009386, MONDO:0015356.
Hereditary breast ovarian cancer syndrome. Also called: Hereditary breast and ovarian cancer syndrome (HBOC); Breast and ovarian cancer; Hereditary breast and/or ovarian cancer syndrome; BRCA1- and BRCA2-Associated Hereditary Breast and Ovarian Cancer; Hereditary breast and ovarian cancer syndrome; Hereditary breast and ovarian cancer. Identifiers: Orphanet 145, MedGen C0677776, MeSH D061325, MONDO:0003582. Disease mechanism: loss of function.

Submissions (2):

Labcorp Genetics (formerly Invitae), Labcorp
Classification: Pathogenic for Hereditary breast ovarian cancer syndrome. Last evaluated: 2025-06-26. Review status: criteria provided, single submitter. Criteria: Invitae Variant Classification Sherloc (09022015). Collection method: clinical testing. Allele origin: germline.
Comment: This sequence change creates a premature translational stop signal (p.Ile1309Asnfs*2) in the BRCA2 gene. It is expected to result in an absent or disrupted protein product. Loss-of-function variants in BRCA2 are known to be pathogenic (PMID: 20104584). This variant is not present in population databases (gnomAD no frequency). This variant has not been reported in the literature in individuals affected with BRCA2-related conditions. ClinVar contains an entry for this variant (Variation ID: 3226554). For these reasons, this variant has been classified as Pathogenic.

Ambry Genetics
Classification: Pathogenic for Hereditary cancer-predisposing syndrome. Last evaluated: 2023-10-26. Review status: criteria provided, single submitter. Criteria: Ambry Variant Classification Scheme 2023. Collection method: clinical testing. Allele origin: germline.
Comment: The c.3926_3927delTT pathogenic mutation, located in coding exon 10 of the BRCA2 gene, results from a deletion of two nucleotides at nucleotide positions 3926 to 3927, causing a translational frameshift with a predicted alternate stop codon (p.I1309Nfs*2). This variant is considered to be rare based on population cohorts in the Genome Aggregation Database (gnomAD). This alteration is expected to result in loss of function by premature protein truncation or nonsense-mediated mRNA decay. As such, this alteration is interpreted as a disease-causing mutation.

Literature cited by the submitters: PubMed 20104584 (cited by Labcorp Genetics (formerly Invitae), Labcorp).